The following is an entry in ClinVar:

NM_031476.4(CRISPLD2):c.81C>T (p.Asn27=)

Gene: CRISPLD2 (cysteine rich secretory protein LCCL domain containing 2; plus strand). Cytogenetic location: 16q24.1.
Variant type: single nucleotide variant.
Coding change: c.81C>T on transcript NM_031476.4 (MANE Select); coding-DNA position 81, C replaced by T.
Protein change: p.Asn27=; no amino-acid change (asparagine 27 retained).
Molecular consequence: synonymous variant.
Genome position (GRCh38, 1-based): chr16:84,838,576, C>T. VCF-style: chr16-84838576-C-T. GRCh37 (hg19) VCF-style: chr16-84872182-C-T.
Identifiers: ClinVar variation 3050229 (VCV003050229.2), dbSNP rs139901174, ClinGen allele CA8211331.

ClinVar aggregate classification (germline): Likely benign (0 of 4 stars; one submission).

Conditions:
CRISPLD2-related disorder. Also called: CRISPLD2-related condition.

Allele frequency attached by ClinVar (database versions not stated): 1000 Genomes Project 30x 0.00016; 1000 Genomes Project 0.00020; TOPMed 0.00031; ExAC 0.00040; ESP Exome Variant Server 0.00046.
gnomAD v4.1: 458 of 1,614,238 alleles (0.028%); highest among the groups gnomAD compares: Middle Eastern, 0.082%; no homozygotes.

Submission:

PreventionGenetics, part of Exact Sciences
Classification: Likely benign for CRISPLD2-related condition. Last evaluated: 2019-07-11. Review status: no assertion criteria provided. Collection method: clinical testing. Allele origin: germline.
Comment: This variant is classified as likely benign based on ACMG/AMP sequence variant interpretation guidelines (Richards et al. 2015 PMID: 25741868, with internal and published modifications).